The following is an entry in ClinVar:

ClinVar aggregate classification (germline): Uncertain significance (1 of 4 stars; one submission).

Conditions:
D-2-hydroxyglutaric aciduria 1 (D2HGA1). Identifiers: Orphanet 79315, MedGen C3152055, MONDO:0024554, OMIM 600721.

Allele frequency attached by ClinVar (database versions not stated): gnomAD exomes below 0.00001; gnomAD 0.00001.
gnomAD v4.1: 3 of 1,609,630 alleles (0.00019%); highest among the groups gnomAD compares: Non-Finnish European, 0.00017%; no homozygotes.

Submission:

Labcorp Genetics (formerly Invitae), Labcorp
Classification: Uncertain significance for D-2-hydroxyglutaric aciduria 1. Last evaluated: 2022-01-12. Review status: criteria provided, single submitter. Criteria: Invitae Variant Classification Sherloc (09022015). Collection method: clinical testing. Allele origin: germline.
Comment: This sequence change replaces glycine, which is neutral and non-polar, with arginine, which is basic and polar, at codon 77 of the D2HGDH protein (p.Gly77Arg). This variant is not present in population databases (gnomAD no frequency). This variant has not been reported in the literature in individuals affected with D2HGDH-related conditions. Algorithms developed to predict the effect of missense changes on protein structure and function output the following: SIFT: "Tolerated"; PolyPhen-2: "Benign"; Align-GVGD: "Class C0". The arginine amino acid residue is found in multiple mammalian species, which suggests that this missense change does not adversely affect protein function. Algorithms developed to predict the effect of sequence changes on RNA splicing suggest that this variant may create or strengthen a splice site. In summary, the available evidence is currently insufficient to determine the role of this variant in disease. Therefore, it has been classified as a Variant of Uncertain Significance.

NM_152783.5(D2HGDH):c.229G>A (p.Gly77Arg)

Gene: D2HGDH (D-2-hydroxyglutarate dehydrogenase; plus strand). Cytogenetic location: 2q37.3.
Variant type: single nucleotide variant.
Coding change: c.229G>A on transcript NM_152783.5 (MANE Select); coding-DNA position 229, G replaced by A.
Protein change: p.Gly77Arg; replaces glycine 77 with arginine.
Molecular consequence: missense variant. On other transcripts: 5 prime UTR variant (1), non-coding transcript variant (1), intron variant (1).
Genome position (GRCh38, 1-based): chr2:241,735,453, G>A. VCF-style: chr2-241735453-G-A. GRCh37 (hg19) VCF-style: chr2-242674868-G-A.
Other names: c.-316G>A (NM_001352824.2); c.-111+758G>A (NM_001287249.2); short protein forms G77R.
Identifiers: ClinVar variation 2081424 (VCV002081424.1), dbSNP rs1692496828, ClinGen allele CA351404904.